The following is an entry in ClinVar:

ClinVar aggregate classification (germline): Uncertain significance (1 of 4 stars; one submission).

gnomAD v4.1: 4 of 1,536,750 alleles (0.00026%); highest among the groups gnomAD compares: Non-Finnish European, 0.00035%; no homozygotes.

Submission:

Labcorp Genetics (formerly Invitae), Labcorp
Classification: Uncertain significance. Last evaluated: 2023-10-22. Review status: criteria provided, single submitter. Criteria: Invitae Variant Classification Sherloc (09022015). Collection method: clinical testing. Allele origin: germline.
Comment: This sequence change replaces glutamine, which is neutral and polar, with proline, which is neutral and non-polar, at codon 1423 of the DCHS1 protein (p.Gln1423Pro). This variant is not present in population databases (gnomAD no frequency). This variant has not been reported in the literature in individuals affected with DCHS1-related conditions. Advanced modeling of protein sequence and biophysical properties (such as structural, functional, and spatial information, amino acid conservation, physicochemical variation, residue mobility, and thermodynamic stability) performed at Invitae indicates that this missense variant is not expected to disrupt DCHS1 protein function. In summary, the available evidence is currently insufficient to determine the role of this variant in disease. Therefore, it has been classified as a Variant of Uncertain Significance.

NM_003737.4(DCHS1):c.4268A>C (p.Gln1423Pro)

Gene: DCHS1 (dachsous cadherin-related 1; minus strand). Cytogenetic location: 11p15.4.
Variant type: single nucleotide variant.
Coding change: c.4268A>C on transcript NM_003737.4 (MANE Select); coding-DNA position 4268, A replaced by C.
Protein change: p.Gln1423Pro; replaces glutamine 1423 with proline.
Molecular consequence: missense variant.
Genome position (GRCh38, 1-based): chr11:6,630,526, T>G on the plus strand (A>C on the coding strand, the complement: DCHS1 is on the minus strand). VCF-style: chr11-6630526-T-G. GRCh37 (hg19) VCF-style: chr11-6651757-T-G.
Other names: short protein forms Q1423P.
Identifiers: ClinVar variation 2839011 (VCV002839011.3), dbSNP rs1855888097, ClinGen allele CA379406467.
Genomic context (GRCh38, chr11:6,630,526, plus strand): 5'-AGCGCCAGCGGGTCGCGCGCAAAGGCGGGCGCATGCTCATTCTCGTCCTGCACTTGCACC[T>G]GCACTCGCAGCAGCCGCGCGCCCGCGCCTCCCGGCCCCTCAGCGCGTACCGTAAGCGCGC-3'
Protein context (NP_003728.1, residues 1413-1433): GGAGARLLRV[Gln1423Pro]VQVQDENEHA